The following is an entry in ClinVar:

NM_001170535.3(ATAD3A):c.1387A>G (p.Ile463Val)

Gene: ATAD3A (ATPase family AAA domain containing 3A; plus strand). Cytogenetic location: 1p36.33.
Variant type: single nucleotide variant.
Coding change: c.1387A>G on transcript NM_001170535.3 (MANE Select); coding-DNA position 1387, A replaced by G.
Protein change: p.Ile463Val; replaces isoleucine 463 with valine.
Molecular consequence: missense variant.
Genome position (GRCh38, 1-based): chr1:1,527,744, A>G. VCF-style: chr1-1527744-A-G. GRCh37 (hg19) VCF-style: chr1-1463124-A-G.
Other names: c.1150A>G, p.Ile384Val (NM_001170536.3); c.1531A>G, p.Ile511Val (NM_018188.5); short protein forms I384V, I463V, I511V.
Identifiers: ClinVar variation 4845441 (VCV004845441.1).

ClinVar aggregate classification (germline): Uncertain significance (1 of 4 stars; one submission).

gnomAD v4.1: 3 of 1,613,842 alleles (0.00019%); highest among the groups gnomAD compares: African/African-American, 0.004%; no homozygotes.

Submission:

Greenwood Genetic Center Diagnostic Laboratories, Greenwood Genetic Center
Classification: Uncertain significance. Last evaluated: 2025-11-04. Review status: criteria provided, single submitter. Criteria: ACMG Guidelines, 2015. Collection method: clinical testing. Allele origin: germline. Affected: yes.
Comment: PM2